The following is an entry in ClinVar:

ClinVar aggregate classification (germline): Uncertain significance. Review status: criteria provided, multiple submitters, no conflicts (2 of 4 stars). 3 submissions from 3 submitters: Uncertain significance (3). Last evaluated 2025-12-31.

Conditions:
Baller-Gerold syndrome (BGS). Also called: CRANIOSYNOSTOSIS WITH RADIAL DEFECTS. Identifiers: Orphanet 1225, MedGen C0265308, MONDO:0009039, OMIM 218600.
Inborn genetic diseases. Identifiers: MedGen C0950123, MeSH D030342.

Allele frequency attached by ClinVar (database versions not stated): gnomAD 0.00001; gnomAD exomes 0.00001.

Submissions (3):

Labcorp Genetics (formerly Invitae), Labcorp
Classification: Uncertain significance for Baller-Gerold syndrome. Last evaluated: 2025-12-31. Review status: criteria provided, single submitter. Criteria: Invitae Variant Classification Sherloc (09022015). Collection method: clinical testing. Allele origin: germline.
Comment: This sequence change replaces glutamine, which is neutral and polar, with lysine, which is basic and polar, at codon 461 of the RECQL4 protein (p.Gln461Lys). This variant is present in population databases (no rsID available, gnomAD 0.004%). This variant has not been reported in the literature in individuals affected with RECQL4-related conditions. ClinVar contains an entry for this variant (Variation ID: 528999). Invitae Evidence Modeling of protein sequence and biophysical properties (such as structural, functional, and spatial information, amino acid conservation, physicochemical variation, residue mobility, and thermodynamic stability) indicates that this missense variant is not expected to disrupt RECQL4 protein function with a negative predictive value of 80%. In summary, the available evidence is currently insufficient to determine the role of this variant in disease. Therefore, it has been classified as a Variant of Uncertain Significance.

Ambry Genetics
Classification: Uncertain significance for Inborn genetic diseases. Last evaluated: 2025-01-03. Review status: criteria provided, single submitter. Criteria: Ambry Variant Classification Scheme 2023. Collection method: clinical testing. Allele origin: germline.
Comment: The p.Q461K variant (also known as c.1381C>A), located in coding exon 7 of the RECQL4 gene, results from a C to A substitution at nucleotide position 1381. The glutamine at codon 461 is replaced by lysine, an amino acid with similar properties. This amino acid position is conserved. In addition, the in silico prediction for this alteration is inconclusive. Based on the available evidence, the clinical significance of this variant remains unclear.

Blueprint Genetics
Classification: Uncertain significance. Last evaluated: 2021-03-16. Review status: criteria provided, single submitter. Criteria: ACMG Guidelines, 2015. Collection method: clinical testing. Allele origin: germline.

NM_004260.4(RECQL4):c.1381C>A (p.Gln461Lys)

Gene: RECQL4 (RecQ like helicase 4; minus strand). Cytogenetic location: 8q24.3.
Variant type: single nucleotide variant.
Coding change: c.1381C>A on transcript NM_004260.4 (MANE Select); coding-DNA position 1381, C replaced by A.
Protein change: p.Gln461Lys; replaces glutamine 461 with lysine.
Molecular consequence: missense variant.
Genome position (GRCh38, 1-based): chr8:144,515,335, G>T on the plus strand (C>A on the coding strand, the complement: RECQL4 is on the minus strand). VCF-style: chr8-144515335-G-T. GRCh37 (hg19) VCF-style: chr8-145740719-G-T.
Other names: short protein forms Q461K.
Identifiers: ClinVar variation 528999 (VCV000528999.9), dbSNP rs1465965797, ClinGen allele CA372685313.